The following is an entry in ClinVar:

NM_020232.5(PSMG2):c.43T>C (p.Phe15Leu)

Gene: PSMG2 (proteasome assembly chaperone 2; plus strand). Cytogenetic location: 18p11.21.
Variant type: single nucleotide variant.
Coding change: c.43T>C on transcript NM_020232.5 (MANE Select); coding-DNA position 43, T replaced by C.
Protein change: p.Phe15Leu; replaces phenylalanine 15 with leucine.
Molecular consequence: missense variant. On other transcripts: intron variant (1).
Genome position (GRCh38, 1-based): chr18:12,703,150, T>C. VCF-style: chr18-12703150-T-C. GRCh37 (hg19) VCF-style: chr18-12703149-T-C.
Other names: c.-36-3400T>C (NM_147163.2); short protein forms F15L.
Identifiers: ClinVar variation 4773875 (VCV004773875.1).

ClinVar aggregate classification (germline): Uncertain significance (1 of 4 stars; one submission).

gnomAD v4.1: 1 of 1,611,576 alleles (0.000062%); highest among the groups gnomAD compares: Non-Finnish European, 0.000085%; no homozygotes.

Submission:

Labcorp Genetics (formerly Invitae), Labcorp
Classification: Uncertain significance. Last evaluated: 2025-03-06. Review status: criteria provided, single submitter. Criteria: Invitae Variant Classification Sherloc (09022015). Collection method: clinical testing. Allele origin: germline.
Comment: This sequence change replaces phenylalanine, which is neutral and non-polar, with leucine, which is neutral and non-polar, at codon 15 of the PSMG2 protein (p.Phe15Leu). This variant is present in population databases (rs762808978, gnomAD 0.0009%). This variant has not been reported in the literature in individuals affected with PSMG2-related conditions. An algorithm developed to predict the effect of missense changes on protein structure and function (PolyPhen-2) suggests that this variant is likely to be tolerated. In summary, the available evidence is currently insufficient to determine the role of this variant in disease. Therefore, it has been classified as a Variant of Uncertain Significance.